The following is an entry in ClinVar:

NM_005515.4(MNX1):c.126A>C (p.Gly42=)

Gene: MNX1 (motor neuron and pancreas homeobox 1; minus strand). Cytogenetic location: 7q36.3.
Variant type: single nucleotide variant.
Coding change: c.126A>C on transcript NM_005515.4 (MANE Select); coding-DNA position 126, A replaced by C.
Protein change: p.Gly42=; no amino-acid change (glycine 42 retained).
Molecular consequence: synonymous variant.
Genome position (GRCh38, 1-based): chr7:157,010,225, T>G on the plus strand (A>C on the coding strand, the complement: MNX1 is on the minus strand). VCF-style: chr7-157010225-T-G. GRCh37 (hg19) VCF-style: chr7-156802919-T-G.
Identifiers: ClinVar variation 3048759 (VCV003048759.2), dbSNP rs536068265, ClinGen allele CA458774680.

ClinVar aggregate classification (germline): Likely benign (0 of 4 stars; one submission).

Conditions:
MNX1-related disorder. Also called: MNX1-related condition.

Submission:

PreventionGenetics, part of Exact Sciences
Classification: Likely benign for MNX1-related condition. Last evaluated: 2023-12-01. Review status: no assertion criteria provided. Collection method: clinical testing. Allele origin: germline.
Comment: This variant is classified as likely benign based on ACMG/AMP sequence variant interpretation guidelines (Richards et al. 2015 PMID: 25741868, with internal and published modifications).